The following is an entry in ClinVar:

ClinVar aggregate classification (germline): Uncertain significance (1 of 4 stars; one submission).

Allele frequency attached by ClinVar (database versions not stated): gnomAD 0.00001; gnomAD exomes 0.00001 and 0.00003; TOPMed 0.00001; ExAC 0.00004.
gnomAD v4.1: 12 of 1,606,222 alleles (0.00075%); highest among the groups gnomAD compares: Admixed American, 0.01%; no homozygotes.

Submission:

Labcorp Genetics (formerly Invitae), Labcorp
Classification: Uncertain significance. Last evaluated: 2021-10-14. Review status: criteria provided, single submitter. Criteria: Invitae Variant Classification Sherloc (09022015). Collection method: clinical testing. Allele origin: germline.
Comment: This variant has not been reported in the literature in individuals affected with HSPG2-related conditions. In summary, the available evidence is currently insufficient to determine the role of this variant in disease. Therefore, it has been classified as a Variant of Uncertain Significance. Algorithms developed to predict the effect of missense changes on protein structure and function are either unavailable or do not agree on the potential impact of this missense change (SIFT: "Deleterious"; PolyPhen-2: "Probably Damaging"; Align-GVGD: "Class C0"). This variant is present in population databases (rs756575619, ExAC 0.03%). This sequence change replaces arginine with histidine at codon 1146 of the HSPG2 protein (p.Arg1146His). The arginine residue is moderately conserved and there is a small physicochemical difference between arginine and histidine.

NM_005529.7(HSPG2):c.3437G>A (p.Arg1146His)

Gene: HSPG2 (heparan sulfate proteoglycan 2; minus strand). Cytogenetic location: 1p36.12.
Variant type: single nucleotide variant.
Coding change: c.3437G>A on transcript NM_005529.7 (MANE Select); coding-DNA position 3437, G replaced by A.
Protein change: p.Arg1146His; replaces arginine 1146 with histidine.
Molecular consequence: missense variant.
Genome position (GRCh38, 1-based): chr1:21,874,707, C>T on the plus strand (G>A on the coding strand, the complement: HSPG2 is on the minus strand). VCF-style: chr1-21874707-C-T. GRCh37 (hg19) VCF-style: chr1-22201200-C-T.
Other names: c.3440G>A, p.Arg1147His (NM_001291860.2); short protein forms R1146H, R1147H.
Identifiers: ClinVar variation 1386946 (VCV001386946.5), dbSNP rs756575619, ClinGen allele CA672642.